The following is an entry in ClinVar:

ClinVar aggregate classification (germline): Uncertain significance. Review status: criteria provided, multiple submitters, no conflicts (2 of 4 stars). 3 submissions from 3 submitters: Uncertain significance (3). Last evaluated 2024-02-06.

Conditions:
Epidermolysis bullosa simplex, Ogna type (EBS5A). Also called: Pidermolysis bullosa simplex 5A, Ogna type; EPIDERMOLYSIS BULLOSA SIMPLEX 5A, OGNA TYPE. Identifiers: Orphanet 79401, MedGen C0432317, MONDO:0007555, OMIM 131950.
Epidermolysis bullosa simplex 5C, with pyloric atresia (EBS5C). Also called: PLEC-Related Epidermolysis Bullosa with Pyloric Atresia; Epidermolysis bullosa simplex with pyloric atresia; PLEC1-Related Epidermolysis Bullosa with Pyloric Atresia. Identifiers: Orphanet 158684, MedGen C2677349, MONDO:0012807, OMIM 612138.
Autosomal recessive limb-girdle muscular dystrophy type 2Q (LGMDR17). Also called: MUSCULAR DYSTROPHY, LIMB-GIRDLE, AUTOSOMAL RECESSIVE 17. Identifiers: Orphanet 254361, MedGen C3150989, MONDO:0013390, OMIM 613723.
Epidermolysis bullosa simplex 5B, with muscular dystrophy (EBS5B). Also called: EPIDERMOLYSIS BULLOSA SIMPLEX AND LIMB-GIRDLE MUSCULAR DYSTROPHY; Epidermolysis bullosa simplex with muscular dystrophy. Identifiers: Orphanet 257, MedGen C2931072, MONDO:0009181, OMIM 226670.
Epidermolysis bullosa simplex with nail dystrophy (EBS5D). Identifiers: MedGen C4225309, MONDO:0014661, OMIM 616487.

Allele frequency attached by ClinVar (database versions not stated): TOPMed 0.00006; gnomAD 0.00009.
gnomAD v4.1: 41 of 1,610,152 alleles (0.0025%); highest among the groups gnomAD compares: African/African-American, 0.017%; no homozygotes.

Submissions (3):

Revvity Omics, Revvity
Classification: Uncertain significance. Last evaluated: 2024-02-06. Review status: criteria provided, single submitter. Criteria: ACMG Guidelines, 2015. Collection method: clinical testing. Allele origin: germline.

Labcorp Genetics (formerly Invitae), Labcorp
Classification: Uncertain significance for Autosomal recessive limb-girdle muscular dystrophy type 2Q; Epidermolysis bullosa simplex, Ogna type; Epidermolysis bullosa simplex with nail dystrophy; Epidermolysis bullosa simplex 5C, with pyloric atresia; Epidermolysis bullosa simplex 5B, with muscular dystrophy. Last evaluated: 2023-06-12. Review status: criteria provided, single submitter. Criteria: Invitae Variant Classification Sherloc (09022015). Collection method: clinical testing. Allele origin: germline.
Comment: This sequence change replaces arginine, which is basic and polar, with glutamine, which is neutral and polar, at codon 2219 of the PLEC protein (p.Arg2219Gln). This variant is present in population databases (rs782640089, gnomAD 0.02%). This variant has not been reported in the literature in individuals affected with PLEC-related conditions. ClinVar contains an entry for this variant (Variation ID: 290339). An algorithm developed to predict the effect of missense changes on protein structure and function (PolyPhen-2) suggests that this variant is likely to be disruptive. In summary, the available evidence is currently insufficient to determine the role of this variant in disease. Therefore, it has been classified as a Variant of Uncertain Significance.

Eurofins Ntd Llc (ga)
Classification: Uncertain significance. Last evaluated: 2016-08-21. Review status: criteria provided, single submitter. Criteria: EGL Classification Definitions 2015. Collection method: clinical testing. Allele origin: germline. Observed: 2 variant alleles, 2 heterozygotes.

NM_201384.3(PLEC):c.6575G>A (p.Arg2192Gln)

Gene: PLEC (plectin; minus strand). Cytogenetic location: 8q24.3.
Variant type: single nucleotide variant.
Coding change: c.6575G>A on transcript NM_201384.3 (MANE Select); coding-DNA position 6575, G replaced by A.
Protein change: p.Arg2192Gln; replaces arginine 2192 with glutamine.
Molecular consequence: missense variant.
Genome position (GRCh38, 1-based): chr8:143,923,354, C>T on the plus strand (G>A on the coding strand, the complement: PLEC is on the minus strand). VCF-style: chr8-143923354-C-T. GRCh37 (hg19) VCF-style: chr8-144997522-C-T.
Other names: c.6656G>A, p.Arg2219Gln (NM_000445.5); c.6533G>A, p.Arg2178Gln (NM_201378.4); c.6509G>A, p.Arg2170Gln (NM_201379.3); c.6986G>A, p.Arg2329Gln (NM_201380.4); c.6479G>A, p.Arg2160Gln (NM_201381.3); c.6575G>A, p.Arg2192Gln (NM_201382.4); c.6587G>A, p.Arg2196Gln (NM_201383.3); short protein forms R2178Q, R2192Q, R2170Q, R2160Q, R2196Q, R2219Q, R2329Q.
Identifiers: ClinVar variation 290339 (VCV000290339.12), dbSNP rs782640089, ClinGen allele CA4925936.